The following is an entry in ClinVar:

NR_003051.4(RMRP):n.37C>T

Gene: RMRP (RNA component of mitochondrial RNA processing endoribonuclease; minus strand). Cytogenetic location: 9p13.3.
Variant type: single nucleotide variant.
Genome position: GRCh38 VCF-style: chr9-35657983-G-A. GRCh37 (hg19) VCF-style: chr9-35657980-G-A.
Identifiers: ClinVar variation 533761 (VCV000533761.13), dbSNP rs549085067, ClinGen allele CA464450999.
Genomic context (GRCh38, chr9:35,657,983, plus strand): 5'-CTCTCTGCCCGAGGTCCGGGGACTTTCCCCTAGGCGGAAAGGGGAGGAACAGAGTCCTCA[G>A]TGTGTAGCCTAGGATACAGGCCTTCAGCACGAACCACGTCCTCAGCTTCACAGAGTAGTA-3'

ClinVar aggregate classification (germline): Likely pathogenic. Review status: reviewed by expert panel (3 of 4 stars). 4 submissions from 4 submitters: Likely pathogenic (1). 3 of the submissions do not count toward it. Last evaluated 2026-08-28.

Conditions:
Metaphyseal chondrodysplasia, McKusick type (CHH). Also called: Cartilage-hair hypoplasia; Cartilage-Hair Hypoplasia (CHH). Identifiers: Orphanet 175, MedGen C0220748, MONDO:0009595, OMIM 250250.
Anauxetic dysplasia. Identifiers: Orphanet 93347, MedGen C1846796, MONDO:0011773.
Metaphyseal dysplasia without hypotrichosis. Also called: CARTILAGE-HAIR HYPOPLASIA VARIANT, SKELETAL MANIFESTATIONS ONLY; CARTILAGE-HAIR HYPOPLASIA-LIKE SKELETAL DYSPLASIA WITHOUT HYPOTRICHOSIS OR IMMUNODEFICIENCY; Metaphyseal Dysplasia without Hypotrichosis (MDWH). Identifiers: MedGen C1834821, MONDO:0009601, OMIM 250460.
Anauxetic dysplasia 1 (ANXD1). Also called: Anauxetic Dysplasia (AD). Identifiers: Orphanet 93347, MedGen C4551965, MONDO:0054560, OMIM 607095.

Allele frequency attached by ClinVar (database versions not stated): TOPMed 0.00002; gnomAD 0.00006.
gnomAD v4.1: 10 of 700,318 alleles (0.0014%); highest among the groups gnomAD compares: Non-Finnish European, 0.0018%; no homozygotes.

Submissions (4):

ClinGen Severe Combined Immunodeficiency Variant Curation Expert Panel, ClinGen
Classification: Likely pathogenic for Metaphyseal chondrodysplasia, McKusick type. Last evaluated: 2026-08-28. Review status: reviewed by expert panel. Criteria: ClinGen SCID ACMG Specifications RMRP V1.3. Collection method: curation. Allele origin: germline. Inheritance: Autosomal recessive inheritance.
Comment: The NC_000009.12:g.35657983G>A variant is also known as NR_003051.4(RMRP):n.37C>T or g.35C>T. Total 2pts so PM3_Strong. This variant has been reported in at least one patient (Patient 33) presented with metaphyseal dysplasia with short stature (1pt), Hair hypoplasia (0.5pt), Hirchsprung disease (0.25pt) severe anemia and/or severe leucopenia (0.25pt). Total 2pts (PP4_Moderate; PMID: 16244706). The GrpMax filtering allele frequency (European Non-Finnish) in gnomAD v4.1.0 is 0.00000756 which is lower than the PM2 threshold (<0.0000447) so PM2_Supporting is applicable. Therefore, this variant is classified as likely pathogenic for autosomal recessive cartilage-hair hypoplasia based on the ACMG/AMP criteria applied, as specified by the ClinGen SCID VCEP: PM3_Strong, PM2_Supporting, PP4_Moderate. (VCEP specifications version 1.3.0)

Labcorp Genetics (formerly Invitae), Labcorp
Classification: Pathogenic for Anauxetic dysplasia. Last evaluated: 2025-11-12. Review status: criteria provided, single submitter. Criteria: Invitae Variant Classification Sherloc (09022015). Collection method: clinical testing. Allele origin: germline. Not counted in ClinVar's aggregate classification.
Comment: This variant occurs in the RMRP gene, which encodes an RNA molecule that does not result in a protein product. This variant is present in population databases (no rsID available, gnomAD 0.01%). This variant has been observed in individual(s) with cartilage-hair hypoplasia-anauxetic dysplasia spectrum disorders (PMID: 16244706; internal data). In at least one individual the data is consistent with being in trans (on the opposite chromosome) from a pathogenic variant. This variant is also known as g.35C>T or 35C>U. ClinVar contains an entry for this variant (Variation ID: 533761). Studies have shown that this variant alters RMRP gene expression (PMID: 18164267). For these reasons, this variant has been classified as Pathogenic.

Natera, Inc.
Classification: Likely pathogenic for Cartilage-hair hypoplasia. Last evaluated: 2025-08-20. Review status: criteria provided, single submitter. Criteria: Natera Variant Classification Schema (03/2026). Collection method: clinical testing. Allele origin: germline. Not counted in ClinVar's aggregate classification.
Comment: The n.36C>T variant in RMRP is characterized as a single nucleotide variant (SNV). This variant is rare in the general population with a frequency below the threshold expected for the associated phenotype(s). This variant has been observed in one or more individuals affected with the associated recessive disease, as either homozygous or compound heterozygous with a second variant (PMID: 16097009, 16244706, 25663137). Given the available evidence, this variant is classified as Likely Pathogenic.

Fulgent Genetics
Classification: Likely pathogenic for Metaphyseal chondrodysplasia, McKusick type; Metaphyseal dysplasia without hypotrichosis; Anauxetic dysplasia 1. Last evaluated: 2021-09-17. Review status: criteria provided, single submitter. Criteria: ACMG Guidelines, 2015. Collection method: clinical testing. Allele origin: unknown. Not counted in ClinVar's aggregate classification.

Literature cited by the submitters: PubMed 16244706 (cited by Labcorp Genetics (formerly Invitae), Labcorp and Natera, Inc.); PubMed 18164267 (cited by Labcorp Genetics (formerly Invitae), Labcorp); PubMed 16097009 (cited by Natera, Inc.); PubMed 25663137 (cited by Natera, Inc.).